The following is an entry in ClinVar:

ClinVar aggregate classification (germline): Uncertain significance (1 of 4 stars; one submission).

Conditions:
DiGeorge syndrome. Also called: Catch22; THIRD AND FOURTH PHARYNGEAL POUCH SYNDROME. Identifiers: Orphanet 567, MedGen C0012236, MONDO:0008564, OMIM 188400.

Allele frequency attached by ClinVar (database versions not stated): gnomAD exomes below 0.00001; ExAC 0.00001; gnomAD 0.00001; TOPMed 0.00001.
gnomAD v4.1: 6 of 1,614,080 alleles (0.00037%); highest among the groups gnomAD compares: Admixed American, 0.005%; no homozygotes.

Submission:

Labcorp Genetics (formerly Invitae), Labcorp
Classification: Uncertain significance for DiGeorge syndrome. Last evaluated: 2024-02-26. Review status: criteria provided, single submitter. Criteria: Invitae Variant Classification Sherloc (09022015). Collection method: clinical testing. Allele origin: germline.
Comment: This sequence change replaces glutamic acid, which is acidic and polar, with lysine, which is basic and polar, at codon 257 of the TBX1 protein (p.Glu257Lys). This variant is present in population databases (rs770305746, gnomAD 0.009%). This variant has not been reported in the literature in individuals affected with TBX1-related conditions. ClinVar contains an entry for this variant (Variation ID: 2200135). Advanced modeling of protein sequence and biophysical properties (such as structural, functional, and spatial information, amino acid conservation, physicochemical variation, residue mobility, and thermodynamic stability) performed at Invitae indicates that this missense variant is not expected to disrupt TBX1 protein function with a negative predictive value of 80%. In summary, the available evidence is currently insufficient to determine the role of this variant in disease. Therefore, it has been classified as a Variant of Uncertain Significance.

NM_001379200.1(TBX1):c.796G>A (p.Glu266Lys)

Gene: TBX1 (T-box transcription factor 1; plus strand). Cytogenetic location: 22q11.21.
Variant type: single nucleotide variant.
Coding change: c.796G>A on transcript NM_001379200.1 (MANE Select); coding-DNA position 796, G replaced by A.
Protein change: p.Glu266Lys; replaces glutamic acid 266 with lysine.
Molecular consequence: missense variant.
Genome position (GRCh38, 1-based): chr22:19,765,042, G>A. VCF-style: chr22-19765042-G-A. GRCh37 (hg19) VCF-style: chr22-19752565-G-A.
Other names: c.769G>A, p.Glu257Lys (NM_005992.1, NM_080646.2, NM_080647.1); short protein forms E266K, E257K.
Identifiers: ClinVar variation 2200135 (VCV002200135.4), dbSNP rs770305746, ClinGen allele CA10102559.